The following is an entry in ClinVar:

NM_182961.4(SYNE1):c.21522+6del

Gene: SYNE1 (spectrin repeat containing nuclear envelope protein 1; minus strand). Cytogenetic location: 6q25.2.
Variant type: Deletion.
Coding change: c.21522+6del on transcript NM_182961.4 (MANE Select); 6 bases into the intron after coding-DNA position 21522, one base deleted (G; older notation c.21522+6delG).
Molecular consequence: intron variant.
Genome position (GRCh38, 1-based): chr6:152,224,488, C deleted on the plus strand (G on the coding strand, the reverse complement: SYNE1 is on the minus strand); the first of 2 consecutive C bases (chr6:152,224,488-152,224,489); deleting either gives the same sequence. VCF-style (leftmost placement, unchanged base first): chr6-152224487-TC-T. GRCh37 (hg19) VCF-style: chr6-152545622-TC-T.
Other names: c.21309+6del (NM_033071.5).
Identifiers: ClinVar variation 2939520 (VCV002939520.3), dbSNP rs773743611, ClinGen allele CA4054141.

ClinVar aggregate classification (germline): Uncertain significance (1 of 4 stars; one submission).

Conditions:
Emery-Dreifuss muscular dystrophy 4, autosomal dominant (EDMD4). Also called: EMERY-DREIFUSS MUSCULAR DYSTROPHY 4 WITH VARIABLE FEATURES. Identifiers: Orphanet 261, MedGen C2751807, MONDO:0013071, OMIM 612998.
Autosomal recessive ataxia, Beauce type. Also called: Spinocerebellar ataxia, autosomal recessive 8; ATAXIA, RECESSIVE, OF BEAUCE; SYNE1-Related Autosomal Recessive Cerebellar Ataxia; SYNE1 Deficiency. Identifiers: Orphanet 88644, MedGen C1853116, MONDO:0012549, OMIM 610743.

Submission:

Labcorp Genetics (formerly Invitae), Labcorp
Classification: Uncertain significance for Emery-Dreifuss muscular dystrophy 4, autosomal dominant; Autosomal recessive ataxia, Beauce type. Last evaluated: 2023-10-15. Review status: criteria provided, single submitter. Criteria: Invitae Variant Classification Sherloc (09022015). Collection method: clinical testing. Allele origin: germline.
Comment: This sequence change falls in intron 116 of the SYNE1 gene. It does not directly change the encoded amino acid sequence of the SYNE1 protein. It affects a nucleotide within the consensus splice site. This variant is present in population databases (rs773743611, gnomAD 0.006%). This variant has not been reported in the literature in individuals affected with SYNE1-related conditions. Variants that disrupt the consensus splice site are a relatively common cause of aberrant splicing (PMID: 17576681, 9536098). Algorithms developed to predict the effect of sequence changes on RNA splicing suggest that this variant is not likely to affect RNA splicing. In summary, the available evidence is currently insufficient to determine the role of this variant in disease. Therefore, it has been classified as a Variant of Uncertain Significance.

Literature cited by the submitters: PubMed 17576681; PubMed 9536098.